The following is an entry in ClinVar:

ClinVar aggregate classification (germline): Uncertain significance (1 of 4 stars; one submission).

Conditions:
Muscular dystrophy-dystroglycanopathy (congenital with brain and eye anomalies), type a, 8 (MDDGA8). Also called: WALKER-WARBURG SYNDROME OR MUSCLE-EYE-BRAIN DISEASE, GTDC2-RELATED. Identifiers: Orphanet 899, MedGen C3553813, MONDO:0013904, OMIM 614830.

Submission:

Baylor Genetics
Classification: Uncertain significance for Muscular dystrophy-dystroglycanopathy (congenital with brain and eye anomalies), type a, 8. Last evaluated: 2019-04-09. Review status: criteria provided, single submitter. Criteria: ACMG Guidelines, 2015. Collection method: clinical testing. Allele origin: paternal. Affected: yes.
Comment: This variant was determined to be of uncertain significance according to ACMG Guidelines, 2015 [PMID:25741868].

NM_032806.6(POMGNT2):c.931G>A (p.Ala311Thr)

Gene: POMGNT2 (protein O-linked mannose N-acetylglucosaminyltransferase 2 (beta 1,4-); minus strand). Cytogenetic location: 3p22.1.
Variant type: single nucleotide variant.
Coding change: c.931G>A on transcript NM_032806.6 (MANE Select); coding-DNA position 931, G replaced by A.
Protein change: p.Ala311Thr; replaces alanine 311 with threonine.
Molecular consequence: missense variant.
Genome position (GRCh38, 1-based): chr3:43,080,501, C>T on the plus strand (G>A on the coding strand, the complement: POMGNT2 is on the minus strand). VCF-style: chr3-43080501-C-T. GRCh37 (hg19) VCF-style: chr3-43121993-C-T.
Other names: short protein forms A311T.
Identifiers: ClinVar variation 1030997 (VCV001030997.1), dbSNP rs2089840767, ClinGen allele CA352302204.